The following is an entry in ClinVar:

NM_032608.7(MYO18B):c.6644G>A (p.Arg2215Lys)

Gene: MYO18B (myosin XVIIIB; plus strand). Cytogenetic location: 22q12.1.
Variant type: single nucleotide variant.
Coding change: c.6644G>A on transcript NM_032608.7 (MANE Select); coding-DNA position 6644, G replaced by A.
Protein change: p.Arg2215Lys; replaces arginine 2215 with lysine.
Molecular consequence: missense variant.
Genome position (GRCh38, 1-based): chr22:26,026,618, G>A. VCF-style: chr22-26026618-G-A. GRCh37 (hg19) VCF-style: chr22-26422584-G-A.
Other names: c.6647G>A, p.Arg2216Lys (NM_001318245.2); short protein forms R2216K, R2215K.
Identifiers: ClinVar variation 1472430 (VCV001472430.6), dbSNP rs2147016483, ClinGen allele CA411010497.

ClinVar aggregate classification (germline): Uncertain significance (1 of 4 stars; one submission).

Submission:

Labcorp Genetics (formerly Invitae), Labcorp
Classification: Uncertain significance. Last evaluated: 2021-09-19. Review status: criteria provided, single submitter. Criteria: Invitae Variant Classification Sherloc (09022015). Collection method: clinical testing. Allele origin: germline.
Comment: This sequence change replaces arginine with lysine at codon 2215 of the MYO18B protein (p.Arg2215Lys). The arginine residue is moderately conserved and there is a small physicochemical difference between arginine and lysine. This variant is not present in population databases (ExAC no frequency). This variant has not been reported in the literature in individuals affected with MYO18B-related conditions. Algorithms developed to predict the effect of missense changes on protein structure and function output the following: SIFT: "Not Available"; PolyPhen-2: "Benign"; Align-GVGD: "Not Available". The lysine amino acid residue is found in multiple mammalian species, which suggests that this missense change does not adversely affect protein function. In summary, the available evidence is currently insufficient to determine the role of this variant in disease. Therefore, it has been classified as a Variant of Uncertain Significance.